The following is an entry in ClinVar:

NM_001256007.3(PNPLA8):c.1844T>A (p.Phe615Tyr)

Gene: PNPLA8 (patatin like domain 8, phospholipase A2; minus strand). Cytogenetic location: 7q31.1.
Variant type: single nucleotide variant.
Coding change: c.1844T>A on transcript NM_001256007.3 (MANE Select); coding-DNA position 1844, T replaced by A.
Protein change: p.Phe615Tyr; replaces phenylalanine 615 with tyrosine.
Molecular consequence: missense variant. On other transcripts: intron variant (1).
Genome position (GRCh38, 1-based): chr7:108,487,793, A>T on the plus strand (T>A on the coding strand, the complement: PNPLA8 is on the minus strand). VCF-style: chr7-108487793-A-T. GRCh37 (hg19) VCF-style: chr7-108128237-A-T.
Other names: c.1844T>A, p.Phe615Tyr (NM_001256008.3, NM_015723.5); c.1544T>A, p.Phe515Tyr (NM_001256010.3, NM_001256011.3); c.1692+152T>A (NM_001256009.3); short protein forms F515Y, F615Y.
Identifiers: ClinVar variation 1806132 (VCV001806132.1), dbSNP rs2552112171, ClinGen allele CA368893925.

ClinVar aggregate classification (germline): Uncertain significance (1 of 4 stars; one submission).

Conditions:
Mitochondrial myopathy-lactic acidosis-deafness syndrome. Identifiers: Orphanet 2597, MedGen C1855033, MONDO:0016825, OMIM 251950.

Submission:

Victorian Clinical Genetics Services, Murdoch Childrens Research Institute
Classification: Uncertain significance for Mitochondrial myopathy-lactic acidosis-deafness syndrome. Last evaluated: 2020-10-19. Review status: criteria provided, single submitter. Criteria: ACMG Guidelines, 2015. Collection method: clinical testing. Allele origin: germline. Inheritance: Autosomal recessive inheritance. Affected: yes.
Comment: Based on the classification scheme VCGS_Germline_v1.3.3, this variant is classified as 3A-VUS. Following criteria are met: 0102 - Loss of function is a known mechanism of disease in this gene and is associated with mitochondrial myopathy with lactic acidosis (MIM#251950). (I) 0106 - This gene is associated with autosomal recessive disease. (I) 0200 - Variant is predicted to result in a missense amino acid change from phenylalanine to tyrosine. (I) 0252 - This variant is homozygous. (I) 0301 - Variant is absent from gnomAD (both v2 and v3). (SP) 0501 - Missense variant consistently predicted to be damaging by multiple in silico tools or highly conserved with a major amino acid change. (SP) 0600 - Variant is located in the annotated patatin-like phospholipase domain (NCBI, PDB). (I) 0705 - No comparable missense variants have previous evidence for pathogenicity. (I) 0807 - This variant has no previous evidence of pathogenicity. (I) 0905 - No published segregation evidence has been identified for this variant. (I) 1007 - No published functional evidence has been identified for this variant. (I) 1102 - Strong phenotype match for this individual. (SP) 1208 - Inheritance information for this variant is not currently available in this individual. (I) Legend: (SP) - Supporting pathogenic, (I) - Information, (SB) - Supporting benign